The following is an entry in ClinVar:

NM_001128.6(AP1G1):c.309G>T (p.Met103Ile)

Gene: AP1G1 (adaptor related protein complex 1 subunit gamma 1; minus strand). Cytogenetic location: 16q22.2.
Variant type: single nucleotide variant.
Coding change: c.309G>T on transcript NM_001128.6 (MANE Select); coding-DNA position 309, G replaced by T.
Protein change: p.Met103Ile; replaces methionine 103 with isoleucine.
Molecular consequence: missense variant.
Genome position (GRCh38, 1-based): chr16:71,774,485, C>A on the plus strand (G>T on the coding strand, the complement: AP1G1 is on the minus strand). VCF-style: chr16-71774485-C-A. GRCh37 (hg19) VCF-style: chr16-71808388-C-A.
Other names: c.309G>T, p.Met103Ile (NM_001030007.2); short protein forms M103I.
Identifiers: ClinVar variation 4883195 (VCV004883195.2).
Genomic context (GRCh38, chr16:71,774,485, plus strand): 5'-AAAGTAGTTAACAGTTGTTAGAAGAAAGAAAAGTAAGACTTACTTCTTGATACAGTTGGT[C>A]ATGAGAAGATGGACATCTTGTCTTTCATCTAACAGCAGCATTGCCCCTAAATAGCCAATG-3'
Protein context (NP_001119.3, residues 93-113): LDERQDVHLL[Met103Ile]TNCIKNDLNH

ClinVar aggregate classification (germline): Uncertain significance (1 of 4 stars; one submission).

Submission:

Dasa
Classification: Uncertain significance. Last evaluated: 2025-08-07. Review status: criteria provided, single submitter. Criteria: DASA Assertion Criteria. Collection method: clinical testing. Allele origin: germline.
Comment: NM_001128.6(AP1G1):c.309G>T (p.Met103Ile) is a missense variant that results in the substitution of methionine with isoleucine. This variant is rare in population databases. The currently available literature and clinical evidence are not sufficient to establish a definitive association between this variant and the reported condition. Therefore, this variant is classified as a variant of uncertain significance.